The following is an entry in ClinVar:

ClinVar aggregate classification (germline): Benign/Likely benign. Review status: criteria provided, multiple submitters, no conflicts (2 of 4 stars). 4 submissions from 4 submitters: Benign (1); Likely benign (3). Last evaluated 2026-01-07.

Conditions:
Juvenile polyposis syndrome (JPS). Identifiers: Orphanet 2929, MedGen C0345893, MONDO:0017380, OMIM 174900.
Hereditary cancer-predisposing syndrome. Also called: Neoplastic Syndromes, Hereditary; Hereditary Cancer Syndrome; Hereditary neoplastic syndrome; Tumor predisposition. Identifiers: Orphanet 140162, MedGen C0027672, MeSH D009386, MONDO:0015356.

Allele frequency attached by ClinVar (database versions not stated): TOPMed below 0.00001; gnomAD 0.00001.
gnomAD v4.1: 2 of 1,613,984 alleles (0.00012%); highest among the groups gnomAD compares: African/African-American, 0.0027%; no homozygotes.

Submissions (4):

Labcorp Genetics (formerly Invitae), Labcorp
Classification: Likely benign for Juvenile polyposis syndrome. Last evaluated: 2026-01-07. Review status: criteria provided, single submitter. Criteria: Invitae Variant Classification Sherloc (09022015). Collection method: clinical testing. Allele origin: germline.

Myriad Genetics, Inc.
Classification: Benign for Juvenile polyposis syndrome. Last evaluated: 2024-07-31. Review status: criteria provided, single submitter. Criteria: Myriad Autosomal Dominant, Autosomal Recessive and X-Linked Classification Criteria (2023). Collection method: clinical testing. Allele origin: unknown.
Comment: This variant is considered benign. This variant is a silent/synonymous amino acid change and it is not expected to impact splicing.

Ambry Genetics
Classification: Likely benign for Hereditary cancer-predisposing syndrome. Last evaluated: 2021-07-21. Review status: criteria provided, single submitter. Criteria: Ambry Variant Classification Scheme 2023. Collection method: clinical testing. Allele origin: germline.

Color Diagnostics, LLC DBA Color Health
Classification: Likely benign for Hereditary cancer-predisposing syndrome. Last evaluated: 2019-01-14. Review status: criteria provided, single submitter. Criteria: ACMG Guidelines, 2015. Collection method: clinical testing. Allele origin: germline.

NM_004329.3(BMPR1A):c.225A>G (p.Thr75=)

Gene: BMPR1A (bone morphogenetic protein receptor type 1A; plus strand). Cytogenetic location: 10q23.2.
Variant type: single nucleotide variant.
Coding change: c.225A>G on transcript NM_004329.3 (MANE Select); coding-DNA position 225, A replaced by G.
Protein change: p.Thr75=; no amino-acid change (threonine 75 retained).
Molecular consequence: synonymous variant.
Genome position (GRCh38, 1-based): chr10:86,890,219, A>G. VCF-style: chr10-86890219-A-G. GRCh37 (hg19) VCF-style: chr10-88649976-A-G.
Identifiers: ClinVar variation 1118064 (VCV001118064.13), dbSNP rs1414026379, ClinGen allele CA470304609.
Genomic context (GRCh38, chr10:86,890,219, plus strand): 5'-CTTGCCTTTTTTAAAGTGCTATTGCTCAGGGCACTGTCCAGATGATGCTATTAATAACAC[A>G]TGCATGTAAGTATTTTATGCAGCCCTTCTTAAGAGTTAGGAGAATAGAGTTGCATTTAGT-3'
Protein context (NP_004320.2, residues 65-85): GHCPDDAINN[Thr75=]CITNGHCFAI